The following is an entry in ClinVar:

NM_003000.3(SDHB):c.803A>G (p.Lys268Arg)

Gene: SDHB (succinate dehydrogenase complex iron sulfur subunit B; minus strand). Cytogenetic location: 1p36.13.
Variant type: single nucleotide variant.
Coding change: c.803A>G on transcript NM_003000.3 (MANE Select); coding-DNA position 803, A replaced by G.
Protein change: p.Lys268Arg; replaces lysine 268 with arginine.
Molecular consequence: missense variant.
Genome position (GRCh38, 1-based): chr1:17,018,921, T>C on the plus strand (A>G on the coding strand, the complement: SDHB is on the minus strand). VCF-style: chr1-17018921-T-C. GRCh37 (hg19) VCF-style: chr1-17345416-T-C.
Other names: c.749A>G, p.Lys250Arg (NM_001407361.1); short protein forms K250R, K268R.
Identifiers: ClinVar variation 5029266 (VCV005029266.1).

ClinVar aggregate classification (germline): Uncertain significance (1 of 4 stars; one submission).

Conditions:
Hereditary cancer-predisposing syndrome. Also called: Neoplastic Syndromes, Hereditary; Tumor predisposition; Hereditary neoplastic syndrome; Hereditary Cancer Syndrome. Identifiers: Orphanet 140162, MedGen C0027672, MeSH D009386, MONDO:0015356.

Submission:

Ambry Genetics
Classification: Uncertain significance for Hereditary cancer-predisposing syndrome. Last evaluated: 2026-07-06. Review status: criteria provided, single submitter. Criteria: Ambry Variant Classification Scheme 2023. Collection method: clinical testing. Allele origin: germline.
Comment: The p.K268R variant (also known as c.803A>G), located in coding exon 8 of the SDHB gene, results from an A to G substitution at nucleotide position 803. The lysine at codon 268 is replaced by arginine, an amino acid with highly similar properties. This amino acid position is conserved. In addition, this alteration is predicted to be deleterious by in silico analysis. Based on the available evidence, the clinical significance of this variant remains unclear.